The following is an entry in ClinVar:

NM_001080517.3(SETD5):c.1076A>G (p.Glu359Gly)

Gene: SETD5 (SET domain containing 5; plus strand). Cytogenetic location: 3p25.3.
Variant type: single nucleotide variant.
Coding change: c.1076A>G on transcript NM_001080517.3 (MANE Select); coding-DNA position 1076, A replaced by G.
Protein change: p.Glu359Gly; replaces glutamic acid 359 with glycine.
Molecular consequence: missense variant.
Genome position (GRCh38, 1-based): chr3:9,442,244, A>G. VCF-style: chr3-9442244-A-G. GRCh37 (hg19) VCF-style: chr3-9483928-A-G.
Other names: c.782A>G, p.Glu261Gly (NM_001292043.2, NM_001349451.2); short protein forms E261G, E359G.
Identifiers: ClinVar variation 1062280 (VCV001062280.5), dbSNP rs2125194392, ClinGen allele CA351689685.

ClinVar aggregate classification (germline): Uncertain significance (1 of 4 stars; one submission).

Submission:

Labcorp Genetics (formerly Invitae), Labcorp
Classification: Uncertain significance. Last evaluated: 2020-10-27. Review status: criteria provided, single submitter. Criteria: Invitae Variant Classification Sherloc (09022015). Collection method: clinical testing. Allele origin: germline.
Comment: This sequence change replaces glutamic acid with glycine at codon 359 of the SETD5 protein (p.Glu359Gly). The glutamic acid residue is highly conserved and there is a moderate physicochemical difference between glutamic acid and glycine. This variant is not present in population databases (ExAC no frequency). This variant has not been reported in the literature in individuals with SETD5-related conditions. Algorithms developed to predict the effect of missense changes on protein structure and function are either unavailable or do not agree on the potential impact of this missense change (SIFT: "Deleterious"; PolyPhen-2: "Probably Damaging"; Align-GVGD: "Class C0"). Algorithms developed to predict the effect of sequence changes on RNA splicing suggest that this variant may disrupt the consensus splice site, but this prediction has not been confirmed by published transcriptional studies. In summary, the available evidence is currently insufficient to determine the role of this variant in disease. Therefore, it has been classified as a Variant of Uncertain Significance.